The following is an entry in ClinVar:

ClinVar aggregate classification (germline): Likely pathogenic (1 of 4 stars; one submission).

Conditions:
Phelan-McDermid syndrome. Also called: TELOMERIC 22q13 MONOSOMY SYNDROME; 22q13.3 deletion syndrome; Phelan-McDermid Syndrome-SHANK3 Related. Identifiers: Orphanet 48652, MedGen C1853490, MONDO:0011652, OMIM 606232.

Submission:

Laboratory of Medical Genetics, National & Kapodistrian University of Athens
Classification: Likely pathogenic for Phelan-McDermid syndrome. Last evaluated: 2023-05-05. Review status: criteria provided, single submitter. Criteria: ACMG Guidelines, 2015. Collection method: clinical testing. Allele origin: germline. Affected: yes.
Comment: PVS1, PM2

NM_001372044.2(SHANK3):c.2914_2948del (p.Asp972fs)

Gene: SHANK3 (SH3 and multiple ankyrin repeat domains 3; plus strand). Cytogenetic location: 22q13.33.
Variant type: Deletion.
Coding change: c.2914_2948del on transcript NM_001372044.2 (MANE Select); coding-DNA positions 2914 to 2948, 35 bases deleted.
Protein change: p.Asp972fs; shifts the reading frame from aspartic acid 972.
Molecular consequence: frameshift variant.
Genome position (GRCh38, 1-based): chr22:50,720,522-50,720,556, 35 bases deleted. GRCh37 (hg19): chr22:51,158,950-51,158,984.
Other names: c.2689_2723del35, p.Asp897Profs (NM_033517.1); short protein forms D972fs.
Identifiers: ClinVar variation 2572646 (VCV002572646.1), dbSNP rs2518425438, ClinGen allele CA2580615345.